The following is an entry in ClinVar:

NM_004006.3(DMD):c.6118-1G>C

Gene: DMD (dystrophin; minus strand). Cytogenetic location: Xp21.1.
Variant type: single nucleotide variant.
Coding change: c.6118-1G>C on transcript NM_004006.3 (MANE Select); the canonical splice acceptor site of the intron before coding-DNA position 6118, G replaced by C.
Molecular consequence: splice acceptor variant.
Genome position (GRCh38, 1-based): chrX:32,287,702, C>G on the plus strand (G>C on the coding strand, the complement: DMD is on the minus strand). VCF-style: chrX-32287702-C-G. GRCh37 (hg19) VCF-style: chrX-32305819-C-G.
Other names: c.6094-1G>C (NM_000109.4); c.2095-1G>C (NM_004011.4); c.2086-1G>C (NM_004012.4); c.6106-1G>C (NM_004009.3); c.5749-1G>C (NM_004010.3).
Identifiers: ClinVar variation 1455557 (VCV001455557.10), dbSNP rs1060502656, ClinGen allele CA412666679.

ClinVar aggregate classification (germline): Pathogenic/Likely pathogenic. Review status: criteria provided, multiple submitters, no conflicts (2 of 4 stars). 2 submissions from 2 submitters: Pathogenic (1); Likely pathogenic (1). Last evaluated 2023-01-16.

Conditions:
Duchenne muscular dystrophy (DMD). Also called: Duchenne Muscular Dystrophy (DMD); MUSCULAR DYSTROPHY, PSEUDOHYPERTROPHIC PROGRESSIVE, DUCHENNE TYPE. Identifiers: Orphanet 98896, MedGen C0013264, MONDO:0010679, OMIM 310200.

Submissions (2):

Revvity Omics, Revvity
Classification: Likely pathogenic. Last evaluated: 2023-01-16. Review status: criteria provided, single submitter. Criteria: ACMG Guidelines, 2015. Collection method: clinical testing. Allele origin: germline.

Labcorp Genetics (formerly Invitae), Labcorp
Classification: Pathogenic for Duchenne muscular dystrophy. Last evaluated: 2021-06-08. Review status: criteria provided, single submitter. Criteria: Invitae Variant Classification Sherloc (09022015). Collection method: clinical testing. Allele origin: germline.
Comment: For these reasons, this variant has been classified as Pathogenic. Algorithms developed to predict the effect of sequence changes on RNA splicing suggest that this variant may disrupt the consensus splice site, but this prediction has not been confirmed by published transcriptional studies. Disruption of this splice site has been observed in individual(s) with clinical features of Duchenne or Becker muscular dystrophy (PMID: 21396098, 31081998, Invitae). This variant is not present in population databases (ExAC no frequency). This sequence change affects an acceptor splice site in intron 42 of the DMD gene. It is expected to disrupt RNA splicing. Variants that disrupt the donor or acceptor splice site typically lead to a loss of protein function (PMID: 16199547), and loss-of-function variants in DMD are known to be pathogenic (PMID: 16770791, 25007885).

Literature cited by the submitters: PubMed 21396098 (cited by Labcorp Genetics (formerly Invitae), Labcorp); PubMed 31081998 (cited by Labcorp Genetics (formerly Invitae), Labcorp); PubMed 16199547 (cited by Labcorp Genetics (formerly Invitae), Labcorp); PubMed 16770791 (cited by Labcorp Genetics (formerly Invitae), Labcorp); PubMed 25007885 (cited by Labcorp Genetics (formerly Invitae), Labcorp).